The following is an entry in ClinVar:

ClinVar aggregate classification (germline): Uncertain significance (1 of 4 stars; one submission).

Conditions:
Familial thoracic aortic aneurysm and aortic dissection (TAAD). Also called: Thoracic aortic aneurysms and dissections. Identifiers: Orphanet 91387, MedGen C4707243, MONDO:0019625.

gnomAD v4.1: 5 of 1,612,378 alleles (0.00031%); highest among the groups gnomAD compares: Non-Finnish European, 0.00042%; no homozygotes.

Submission:

Ambry Genetics
Classification: Uncertain significance for Familial thoracic aortic aneurysm and aortic dissection. Last evaluated: 2026-04-23. Review status: criteria provided, single submitter. Criteria: Ambry Variant Classification Scheme 2023. Collection method: clinical testing. Allele origin: germline.
Comment: The p.Q907R variant (also known as c.2720A>G), located in coding exon 22 of the FBN1 gene, results from an A to G substitution at nucleotide position 2720. The glutamine at codon 907 is replaced by arginine, an amino acid with highly similar properties. This amino acid position is conserved. In addition, this alteration is predicted to be tolerated by in silico analysis. Based on the available evidence, the clinical significance of this variant remains unclear.

NM_000138.5(FBN1):c.2720A>G (p.Gln907Arg)

Gene: FBN1 (fibrillin 1; minus strand). Cytogenetic location: 15q21.1.
Variant type: single nucleotide variant.
Coding change: c.2720A>G on transcript NM_000138.5 (MANE Select); coding-DNA position 2720, A replaced by G.
Protein change: p.Gln907Arg; replaces glutamine 907 with arginine.
Molecular consequence: missense variant.
Genome position (GRCh38, 1-based): chr15:48,494,212, T>C on the plus strand (A>G on the coding strand, the complement: FBN1 is on the minus strand). VCF-style: chr15-48494212-T-C. GRCh37 (hg19) VCF-style: chr15-48786409-T-C.
Other names: c.2720A>G, p.Gln907Arg (NM_001406716.1); short protein forms Q907R.
Identifiers: ClinVar variation 4871217 (VCV004871217.1).